The following is an entry in ClinVar:

ClinVar aggregate classification (germline): Uncertain significance (1 of 4 stars; one submission).

Conditions:
Arginase deficiency. Also called: ARGININEMIA; ARG1 DEFICIENCY; Arginase 1 Deficiency. Identifiers: Orphanet 90, MedGen C0268548, MONDO:0008814, OMIM 207800.

gnomAD v4.1: 1 of 1,613,090 alleles (0.000062%); highest among the groups gnomAD compares: Admixed American, 0.0017%; no homozygotes.

Submission:

Labcorp Genetics (formerly Invitae), Labcorp
Classification: Uncertain significance for Arginase deficiency. Last evaluated: 2023-03-07. Review status: criteria provided, single submitter. Criteria: Invitae Variant Classification Sherloc (09022015). Collection method: clinical testing. Allele origin: germline.
Comment: This sequence change replaces arginine, which is basic and polar, with glycine, which is neutral and non-polar, at codon 222 of the ARG1 protein (p.Arg222Gly). This variant is present in population databases (no rsID available, gnomAD 0.003%). This variant has not been reported in the literature in individuals affected with ARG1-related conditions. An algorithm developed to predict the effect of missense changes on protein structure and function (PolyPhen-2) suggests that this variant is likely to be tolerated. Algorithms developed to predict the effect of sequence changes on RNA splicing suggest that this variant may disrupt the consensus splice site. In summary, the available evidence is currently insufficient to determine the role of this variant in disease. Therefore, it has been classified as a Variant of Uncertain Significance.

NM_000045.4(ARG1):c.664A>G (p.Arg222Gly)

Genes: ARG1 (arginase 1; plus strand), MED23 (mediator complex subunit 23; minus strand). Cytogenetic location: 6q23.2.
Variant type: single nucleotide variant.
Coding change: c.664A>G on transcript NM_000045.4 (MANE Select); coding-DNA position 664, A replaced by G.
Protein change: p.Arg222Gly; replaces arginine 222 with glycine.
Molecular consequence: missense variant. On other transcripts: non-coding transcript variant (1), intron variant (2).
Genome position (GRCh38, 1-based): chr6:131,583,163, A>G. VCF-style: chr6-131583163-A-G. GRCh37 (hg19) VCF-style: chr6-131904303-A-G.
Other names: c.688A>G, p.Arg230Gly (NM_001244438.2); c.409A>G, p.Arg137Gly (NM_001369020.1); c.4077+4546T>C (NM_001270521.2); c.4095+4546T>C (NM_015979.4); short protein forms R230G, R137G, R222G.
Identifiers: ClinVar variation 2843268 (VCV002843268.3), dbSNP rs1303114569, ClinGen allele CA365652355.